The following is an entry in ClinVar:

NM_004082.5(DCTN1):c.1435C>T (p.Arg479Cys)

Gene: DCTN1 (dynactin subunit 1; minus strand). Cytogenetic location: 2p13.1.
Variant type: single nucleotide variant.
Coding change: c.1435C>T on transcript NM_004082.5 (MANE Select); coding-DNA position 1435, C replaced by T.
Protein change: p.Arg479Cys; replaces arginine 479 with cysteine.
Molecular consequence: missense variant. On other transcripts: non-coding transcript variant (1).
Genome position (GRCh38, 1-based): chr2:74,369,449, G>A on the plus strand (C>T on the coding strand, the complement: DCTN1 is on the minus strand). VCF-style: chr2-74369449-G-A. GRCh37 (hg19) VCF-style: chr2-74596576-G-A.
Other names: c.1375C>T, p.Arg459Cys (NM_001135040.3); c.1033C>T, p.Arg345Cys (NM_001135041.3, NM_023019.4); c.1324C>T, p.Arg442Cys (NM_001190836.2); c.1414C>T, p.Arg472Cys (NM_001190837.2); c.1384C>T, p.Arg462Cys (NM_001378991.1); c.1366C>T, p.Arg456Cys (NM_001378992.1); short protein forms R345C, R479C, R442C, R459C, R472C, R456C, R462C.
Identifiers: ClinVar variation 580500 (VCV000580500.10), dbSNP rs1558940606, ClinGen allele CA347358908.

ClinVar aggregate classification (germline): Uncertain significance. Review status: criteria provided, multiple submitters, no conflicts (2 of 4 stars). 2 submissions from 2 submitters: Uncertain significance (2). Last evaluated 2026-08-03.

Conditions:
Neuronopathy, distal hereditary motor, type 7B. Also called: NEURONOPATHY, DISTAL HEREDITARY MOTOR, AUTOSOMAL DOMINANT 14; NEURONOPATHY, DISTAL HEREDITARY MOTOR, HARDING TYPE VIIB; NEUROPATHY, DISTAL HEREDITARY MOTOR, HARDING TYPE VIIB; NEUROPATHY, DISTAL HEREDITARY MOTOR, WITH VOCAL CORD PARALYSIS, HARDING TYPE VIIB; HMN VIIB; Distal Hereditary Motor Neuronopathy Type 7B (dHMN7B). Identifiers: Orphanet 139589, MedGen C1843315, MONDO:0011879, OMIM 607641.
Perry syndrome. Also called: PARKINSONISM WITH ALVEOLAR HYPOVENTILATION AND MENTAL DEPRESSION. Identifiers: Orphanet 178509, MedGen C1868594, MONDO:0008201, OMIM 168605.
Amyotrophic lateral sclerosis type 1 (ALS1). Also called: AMYOTROPHIC LATERAL SCLEROSIS 1, FAMILIAL. Identifiers: Orphanet 803, MedGen C1862939, MONDO:0007103, OMIM 105400.
DCTN1-related disorder. Also called: DCTN1-related condition.

Allele frequency attached by ClinVar (database versions not stated): gnomAD exomes below 0.00001.
gnomAD v4.1: 1 of 1,614,080 alleles (0.000062%); highest among the groups gnomAD compares: African/African-American, 0.0013%; no homozygotes.

Submissions (2):

PreventionGenetics, part of Exact Sciences
Classification: Uncertain significance for DCTN1-related condition. Last evaluated: 2026-08-03. Review status: criteria provided, single submitter. Criteria: ACMG Guidelines, 2015. Collection method: clinical testing. Allele origin: germline.
Comment: The DCTN1 c.1435C>T variant is predicted to result in the amino acid substitution p.Arg479Cys. To our knowledge, this variant has not been reported in the literature or in a large population database (gnomAD), indicating this variant is rare. At this time, the clinical significance of this variant is uncertain due to the absence of conclusive functional and genetic evidence.

Labcorp Genetics (formerly Invitae), Labcorp
Classification: Uncertain significance for Amyotrophic lateral sclerosis type 1; Neuronopathy, distal hereditary motor, type 7B; Perry syndrome. Last evaluated: 2018-01-09. Review status: criteria provided, single submitter. Criteria: Invitae Variant Classification Sherloc (09022015). Collection method: clinical testing. Allele origin: germline.
Comment: Algorithms developed to predict the effect of missense changes on protein structure and function (SIFT, PolyPhen-2, Align-GVGD) all suggest that this variant is likely to be disruptive, but these predictions have not been confirmed by published functional studies and their clinical significance is uncertain. This sequence change replaces arginine with cysteine at codon 479 of the DCTN1 protein (p.Arg479Cys). The arginine residue is highly conserved and there is a large physicochemical difference between arginine and cysteine. This variant is not present in population databases (ExAC no frequency). This variant has not been reported in the literature in individuals with DCTN1-related disease. In summary, the available evidence is currently insufficient to determine the role of this variant in disease. Therefore, it has been classified as a Variant of Uncertain Significance.